The following is an entry in ClinVar:

ClinVar aggregate classification (germline): Uncertain significance (1 of 4 stars; one submission).

Conditions:
Familial hypocalciuric hypercalcemia (FHH). Also called: Familial benign hypercalcemia. Identifiers: Orphanet 405, MedGen C1809471, MONDO:0018458.
Autosomal dominant hypocalcemia 1 (HYPOC1). Also called: HYPOCALCEMIA, FAMILIAL. Identifiers: MedGen C3715128, MONDO:0011013, OMIM 601198.

Submission:

Labcorp Genetics (formerly Invitae), Labcorp
Classification: Uncertain significance for Familial hypocalciuric hypercalcemia; Autosomal dominant hypocalcemia 1. Last evaluated: 2025-04-15. Review status: criteria provided, single submitter. Criteria: Invitae Variant Classification Sherloc (09022015). Collection method: clinical testing. Allele origin: germline.
Comment: This sequence change replaces isoleucine, which is neutral and non-polar, with asparagine, which is neutral and polar, at codon 807 of the CASR protein (p.Ile807Asn). This variant is not present in population databases (gnomAD no frequency). This missense change has been observed in individual(s) with hypocalciuric hypercalcemia (PMID: 26963950). An algorithm developed to predict the effect of missense changes on protein structure and function (PolyPhen-2) suggests that this variant is likely to be disruptive. In summary, the available evidence is currently insufficient to determine the role of this variant in disease. Therefore, it has been classified as a Variant of Uncertain Significance.

Literature cited by the submitters: PubMed 26963950.

NM_000388.4(CASR):c.2420T>A (p.Ile807Asn)

Gene: CASR (calcium sensing receptor; plus strand). Cytogenetic location: 3q21.1.
Variant type: single nucleotide variant.
Coding change: c.2420T>A on transcript NM_000388.4 (MANE Select); coding-DNA position 2420, T replaced by A.
Protein change: p.Ile807Asn; replaces isoleucine 807 with asparagine.
Molecular consequence: missense variant.
Genome position (GRCh38, 1-based): chr3:122,284,374, T>A. VCF-style: chr3-122284374-T-A. GRCh37 (hg19) VCF-style: chr3-122003221-T-A.
Other names: c.2450T>A, p.Ile817Asn (NM_001178065.2); short protein forms I817N, I807N.
Identifiers: ClinVar variation 4783629 (VCV004783629.1).
Genomic context (GRCh38, chr3:122,284,374, plus strand): 5'-GCTTCTTCTTTGCCTTCAAGTCCCGGAAGCTGCCGGAGAACTTCAATGAAGCCAAGTTCA[T>A]CACCTTCAGCATGCTCATCTTCTTCATCGTCTGGATCTCCTTCATTCCAGCCTATGCCAG-3'
Protein context (NP_000379.3, residues 797-817): LPENFNEAKF[Ile807Asn]TFSMLIFFIV